The following is an entry in ClinVar:

ClinVar aggregate classification (germline): Uncertain significance (0 of 4 stars; one submission).

Conditions:
CPSF1-related disorder. Also called: CPSF1-related condition.

Submission:

PreventionGenetics, part of Exact Sciences
Classification: Uncertain significance for CPSF1-related condition. Last evaluated: 2024-07-28. Review status: no assertion criteria provided. Collection method: clinical testing. Allele origin: germline.
Comment: The CPSF1 c.2972_2974delACA variant is predicted to result in an in-frame deletion (p.Asn991del). To our knowledge, this variant has not been reported in the literature or in a large population database, indicating this variant is rare. At this time, the clinical significance of this variant is uncertain due to the absence of conclusive functional and genetic evidence.

NM_013291.3(CPSF1):c.2972_2974del (p.Asn991del)

Gene: CPSF1 (cleavage and polyadenylation specific factor 1; minus strand). Cytogenetic location: 8q24.3.
Variant type: Deletion.
Coding change: c.2972_2974del on transcript NM_013291.3 (MANE Select); coding-DNA positions 2972 to 2974, 3 bases deleted (ACA; older notation c.2972_2974delACA).
Protein change: p.Asn991del; deletes asparagine 991.
Molecular consequence: inframe deletion.
Genome position (GRCh38, 1-based): chr8:144,396,353-144,396,355, TGT deleted on the plus strand (ACA on the coding strand, the reverse complement: CPSF1 is on the minus strand); deleting any 3 consecutive bases within chr8:144,396,353-144,396,357 gives the same sequence; the c. name uses the placement nearest the transcript's 3' end. VCF-style (leftmost placement, unchanged base first): chr8-144396352-CTGT-C. GRCh37 (hg19) VCF-style: chr8-145621567-CTGT-C.
Other names: short protein forms N991del.
Identifiers: ClinVar variation 3347372 (VCV003347372.1).